The following is an entry in ClinVar:

ClinVar aggregate classification (germline): Uncertain significance (1 of 4 stars; one submission).

Allele frequency attached by ClinVar (database versions not stated): gnomAD exomes below 0.00001.

Submission:

Labcorp Genetics (formerly Invitae), Labcorp
Classification: Uncertain significance. Last evaluated: 2023-08-20. Review status: criteria provided, single submitter. Criteria: Invitae Variant Classification Sherloc (09022015). Collection method: clinical testing. Allele origin: germline.
Comment: In summary, the available evidence is currently insufficient to determine the role of this variant in disease. Therefore, it has been classified as a Variant of Uncertain Significance. An algorithm developed to predict the effect of missense changes on protein structure and function (PolyPhen-2) suggests that this variant is likely to be tolerated. This variant has not been reported in the literature in individuals affected with VAV1-related conditions. This variant is not present in population databases (gnomAD no frequency). This sequence change replaces methionine, which is neutral and non-polar, with isoleucine, which is neutral and non-polar, at codon 127 of the VAV1 protein (p.Met127Ile).

NM_005428.4(VAV1):c.381G>A (p.Met127Ile)

Gene: VAV1 (vav guanine nucleotide exchange factor 1; plus strand). Cytogenetic location: 19p13.3.
Variant type: single nucleotide variant.
Coding change: c.381G>A on transcript NM_005428.4 (MANE Select); coding-DNA position 381, G replaced by A.
Protein change: p.Met127Ile; replaces methionine 127 with isoleucine.
Molecular consequence: missense variant.
Genome position (GRCh38, 1-based): chr19:6,821,791, G>A. VCF-style: chr19-6821791-G-A. GRCh37 (hg19) VCF-style: chr19-6821802-G-A.
Other names: c.381G>A, p.Met127Ile (NM_001258206.2, NM_001258207.2); short protein forms M127I.
Identifiers: ClinVar variation 2754048 (VCV002754048.3), dbSNP rs2512357736, ClinGen allele CA403615007.